The following is an entry in ClinVar:

NM_153766.3(KCNJ1):c.*96del

Gene: KCNJ1 (potassium inwardly rectifying channel subfamily J member 1; minus strand). Cytogenetic location: 11q24.3.
Variant type: Deletion.
Coding change: c.*96del on transcript NM_153766.3 (MANE Select); 96 bases downstream of the stop codon, one base deleted (G; older notation c.*96delG).
Molecular consequence: 3 prime UTR variant.
Genome position (GRCh38, 1-based): chr11:128,839,029, C deleted on the plus strand (G on the coding strand, the reverse complement: KCNJ1 is on the minus strand); the first of 2 consecutive C bases (chr11:128,839,029-128,839,030); deleting either gives the same sequence. VCF-style (leftmost placement, unchanged base first): chr11-128839028-TC-T. GRCh37 (hg19) VCF-style: chr11-128708923-TC-T.
Other names: c.*96del (NM_000220.6, NM_153764.3, NM_153765.3 and 1 more transcripts).
Identifiers: ClinVar variation 1691192 (VCV001691192.2), dbSNP rs142894410, ClinGen allele CA230627342.

ClinVar aggregate classification (germline): Likely benign (1 of 4 stars; one submission).

Submission:

GeneDx
Classification: Likely benign. Last evaluated: 2020-11-02. Review status: criteria provided, single submitter. Criteria: GeneDx Variant Classification Process June 2021. Collection method: clinical testing. Allele origin: germline. Affected: yes.
Comment: See Variant Classification Assertion Criteria.